The following is an entry in ClinVar:

NM_002303.6(LEPR):c.3495_3496del (p.Ter1166IleextTer?)

Gene: LEPR (leptin receptor; plus strand). Cytogenetic location: 1p31.3.
Variant type: Microsatellite.
Coding change: c.3495_3496del on transcript NM_002303.6 (MANE Select); coding-DNA positions 3495 to 3496, 2 bases deleted (GT; older notation c.3495_3496delGT).
Protein change: p.Ter1166IleextTer?.
Molecular consequence: frameshift variant.
Genome position (GRCh38, 1-based): chr1:65,637,012-65,637,013, GT deleted; deleting any 2 consecutive bases within chr1:65,637,009-65,637,013 gives the same sequence; the c. name uses the placement nearest the transcript's 3' end. VCF-style (leftmost placement, unchanged base first): chr1-65637008-CTG-C. GRCh37 (hg19) VCF-style: chr1-66102691-CTG-C.
Other names: c.3495_3496del (NM_002303.5); c.3495_3496delGT (NM_002303.5).
Identifiers: ClinVar variation 435748 (VCV000435748.12), dbSNP rs756571131, ClinGen allele CA895278.

ClinVar aggregate classification (germline): Uncertain significance. Review status: criteria provided, multiple submitters, no conflicts (2 of 4 stars). 3 submissions from 3 submitters: Uncertain significance (3). Last evaluated 2026-01-07.

Conditions:
LEPR-related disorder. Also called: LEPR-related disorders; LEPR-related condition.

Submissions (3):

PreventionGenetics, part of Exact Sciences
Classification: Uncertain significance for LEPR-related condition. Last evaluated: 2026-01-07. Review status: criteria provided, single submitter. Criteria: ACMG Guidelines, 2015. Collection method: clinical testing. Allele origin: germline.
Comment: The LEPR c.3495_3496delGT variant is predicted to result in extension of the open reading frame (p.*1166Ileext*13). To our knowledge, this variant has not been reported in the literature. This variant is reported in 0.011% of alleles in individuals of East Asian descent in gnomAD. At this time, the clinical significance of this variant is uncertain due to the absence of conclusive functional and genetic evidence.

Labcorp Genetics (formerly Invitae), Labcorp
Classification: Uncertain significance. Last evaluated: 2022-09-07. Review status: criteria provided, single submitter. Criteria: Invitae Variant Classification Sherloc (09022015). Collection method: clinical testing. Allele origin: germline.
Comment: In summary, the available evidence is currently insufficient to determine the role of this variant in disease. Therefore, it has been classified as a Variant of Uncertain Significance. Experimental studies and prediction algorithms are not available or were not evaluated, and the functional significance of this variant is currently unknown. ClinVar contains an entry for this variant (Variation ID: 435748). This variant has not been reported in the literature in individuals affected with LEPR-related conditions. This variant is present in population databases (rs756571131, gnomAD 0.01%). This sequence change disrupts the translational stop signal of the LEPR mRNA. It is expected to extend the length of the LEPR protein by 13 additional amino acid residues.

Genetic Services Laboratory, University of Chicago
Classification: Uncertain significance. Last evaluated: 2017-03-21. Review status: criteria provided, single submitter. Criteria: ACMG Guidelines, 2015. Collection method: clinical testing. Allele origin: germline. Affected: no.